The following is an entry in ClinVar:

NM_001089.3(ABCA3):c.1430del (p.Gln477fs)

Gene: ABCA3 (ATP binding cassette subfamily A member 3; minus strand). Cytogenetic location: 16p13.3.
Variant type: Deletion.
Coding change: c.1430del on transcript NM_001089.3 (MANE Select); coding-DNA position 1430, one base deleted (A; older notation c.1430delA).
Protein change: p.Gln477fs; shifts the reading frame from glutamine 477.
Molecular consequence: frameshift variant.
Genome position (GRCh38, 1-based): chr16:2,304,006, T deleted on the plus strand (A on the coding strand, the reverse complement: ABCA3 is on the minus strand). VCF-style (leftmost placement, unchanged base first): chr16-2304005-CT-C. GRCh37 (hg19) VCF-style: chr16-2354006-CT-C.
Other names: short protein forms Q477fs.
Identifiers: ClinVar variation 2824717 (VCV002824717.3), dbSNP rs2505649944, ClinGen allele CA2739269960.

ClinVar aggregate classification (germline): Pathogenic (1 of 4 stars; one submission).

Submission:

Labcorp Genetics (formerly Invitae), Labcorp
Classification: Pathogenic. Last evaluated: 2022-12-29. Review status: criteria provided, single submitter. Criteria: Invitae Variant Classification Sherloc (09022015). Collection method: clinical testing. Allele origin: germline.
Comment: This sequence change creates a premature translational stop signal (p.Gln477Argfs*76) in the ABCA3 gene. It is expected to result in an absent or disrupted protein product. Loss-of-function variants in ABCA3 are known to be pathogenic (PMID: 27516224). This variant is not present in population databases (gnomAD no frequency). This variant has not been reported in the literature in individuals affected with ABCA3-related conditions. For these reasons, this variant has been classified as Pathogenic.

Literature cited by the submitters: PubMed 27516224.